The following is an entry in ClinVar:

NM_001048174.2(MUTYH):c.1408C>A (p.Gln470Lys)

Gene: MUTYH (mutY DNA glycosylase; minus strand). Cytogenetic location: 1p34.1.
Variant type: single nucleotide variant.
Coding change: c.1408C>A on transcript NM_001048174.2 (MANE Select); coding-DNA position 1408, C replaced by A.
Protein change: p.Gln470Lys; replaces glutamine 470 with lysine.
Molecular consequence: missense variant. On other transcripts: non-coding transcript variant (7).
Genome position (GRCh38, 1-based): chr1:45,330,542, G>T on the plus strand (C>A on the coding strand, the complement: MUTYH is on the minus strand). VCF-style: chr1-45330542-G-T. GRCh37 (hg19) VCF-style: chr1-45796214-G-T.
Other names: c.1408C>A, p.Gln470Lys (NM_001048171.2, NM_001048173.2, NM_001293195.2 and 6 more transcripts); c.1411C>A, p.Gln471Lys (NM_001048172.2, NM_001407071.1, NM_001407078.1 and 1 more transcripts); c.1492C>A, p.Gln498Lys (NM_001128425.2); c.1453C>A, p.Gln485Lys (NM_001293190.2); c.1441C>A, p.Gln481Lys (NM_001293191.2, NM_001407069.1, NM_001407077.1); c.1132C>A, p.Gln378Lys (NM_001293192.2, NM_001293196.2, NM_001407091.1); c.1063C>A, p.Gln355Lys (NM_001350650.2, NM_001350651.2, NM_001407082.1); c.1324C>A, p.Gln442Lys (NM_001407075.1); and 5 more; short protein forms Q470K, Q471K, Q484K, Q485K, Q378K, Q456K, Q457K, Q498K.
Identifiers: ClinVar variation 4113278 (VCV004113278.1).

ClinVar aggregate classification (germline): Uncertain significance (1 of 4 stars; one submission).

Conditions:
Hereditary cancer-predisposing syndrome. Also called: Tumor predisposition; Neoplastic Syndromes, Hereditary; Hereditary neoplastic syndrome; Hereditary Cancer Syndrome. Identifiers: Orphanet 140162, MedGen C0027672, MeSH D009386, MONDO:0015356.

Submission:

Ambry Genetics
Classification: Uncertain significance for Hereditary cancer-predisposing syndrome. Last evaluated: 2025-08-27. Review status: criteria provided, single submitter. Criteria: Ambry Variant Classification Scheme 2023. Collection method: clinical testing. Allele origin: germline.
Comment: The p.Q498K variant (also known as c.1492C>A), located in coding exon 15 of the MUTYH gene, results from a C to A substitution at nucleotide position 1492. The glutamine at codon 498 is replaced by lysine, an amino acid with similar properties. This amino acid position is conserved. In addition, this alteration is predicted to be tolerated by in silico analysis. Based on the available evidence, the clinical significance of this variant remains unclear.